The following is an entry in ClinVar:

ClinVar aggregate classification (germline): Benign (1 of 4 stars; one submission).

Allele frequency attached by ClinVar (database versions not stated): 1000 Genomes Project 0.99381; TOPMed 0.99478; 1000 Genomes Project 30x 0.99391; gnomAD exomes 0.99939.

Submission:

GeneDx
Classification: Benign. Last evaluated: 2018-06-16. Review status: criteria provided, single submitter. Criteria: GeneDx Variant Classification (06012015). Collection method: clinical testing. Allele origin: germline. Affected: yes.
Comment: This variant is considered likely benign or benign based on one or more of the following criteria: it is a conservative change, it occurs at a poorly conserved position in the protein, it is predicted to be benign by multiple in silico algorithms, and/or has population frequency not consistent with disease.

NM_005055.4(RAPSN):c.-346T>G

Gene: RAPSN (receptor associated protein of the synapse; minus strand). Cytogenetic location: 11p11.2.
Variant type: single nucleotide variant.
Coding change: c.-346T>G on transcript NM_005055.4; 346 bases upstream of the start codon, T replaced by G.
Genome position (GRCh38, 1-based): chr11:47,449,310, A>C on the plus strand (T>G on the coding strand, the complement: RAPSN is on the minus strand). VCF-style: chr11-47449310-A-C. GRCh37 (hg19) VCF-style: chr11-47470862-A-C.
Identifiers: ClinVar variation 679851 (VCV000679851.3), dbSNP rs10742808, ClinGen allele CA221724014.
Genomic context (GRCh38, chr11:47,449,310, plus strand): 5'-ACGTGGCTTCCCTGAGCATACAGGCACCTTGCCACCTGGGCACCCCCTTGGGCGTCCCTT[A>C]GGCACCTCTGACACTGACCCTGACCGCCCTGGCAGCACGGGCCCTCCCAGCAGCCTTGCC-3'